The following is an entry in ClinVar:

NM_014855.3(AP5Z1):c.405C>T (p.Gly135=)

Gene: AP5Z1 (adaptor related protein complex 5 subunit zeta 1; plus strand). Cytogenetic location: 7p22.1.
Variant type: single nucleotide variant.
Coding change: c.405C>T on transcript NM_014855.3 (MANE Select); coding-DNA position 405, C replaced by T.
Protein change: p.Gly135=; no amino-acid change (glycine 135 retained).
Molecular consequence: synonymous variant. On other transcripts: 5 prime UTR variant (1), non-coding transcript variant (1).
Genome position (GRCh38, 1-based): chr7:4,783,354, C>T. VCF-style: chr7-4783354-C-T. GRCh37 (hg19) VCF-style: chr7-4822985-C-T.
Other names: c.405C>T (NM_014855.2); c.-64C>T (NM_001364858.1).
Identifiers: ClinVar variation 3389147 (VCV003389147.16).

ClinVar aggregate classification (germline): Likely benign. Review status: criteria provided, multiple submitters, no conflicts (2 of 4 stars). 3 submissions from 3 submitters: Likely benign (3). Last evaluated 2026-01-01.

Conditions:
Hereditary spastic paraplegia 48. Also called: SPASTIC PARAPLEGIA 48, AUTOSOMAL RECESSIVE; Spastic paraplegia 48. Identifiers: Orphanet 306511, MedGen C3150901, MONDO:0013342, OMIM 613647.
AP5Z1-related disorder. Also called: AP5Z1-related condition.

gnomAD v4.1: 46 of 1,612,896 alleles (0.0029%); highest among the groups gnomAD compares: South Asian, 0.011%; no homozygotes.

Submissions (3):

CeGaT Center for Human Genetics Tuebingen
Classification: Likely benign. Last evaluated: 2026-01-01. Review status: criteria provided, single submitter. Criteria: CeGaT Center For Human Genetics Tuebingen Variant Classification Criteria Version 2. Collection method: clinical testing. Allele origin: germline. Affected: yes. Observed: 2 variant alleles.
Comment: AP5Z1: BP4, BP7

Labcorp Genetics (formerly Invitae), Labcorp
Classification: Likely benign for Hereditary spastic paraplegia 48. Last evaluated: 2025-08-07. Review status: criteria provided, single submitter. Criteria: Invitae Variant Classification Sherloc (09022015). Collection method: clinical testing. Allele origin: germline.

PreventionGenetics, part of Exact Sciences
Classification: Likely benign for AP5Z1-related condition. Last evaluated: 2025-08-05. Review status: criteria provided, single submitter. Criteria: ACMG Guidelines, 2015. Collection method: clinical testing. Allele origin: germline.
Comment: This variant is classified as likely benign based on ACMG/AMP sequence variant interpretation guidelines (Richards et al. 2015 PMID: 25741868, with internal and published modifications).